The following is an entry in ClinVar:

ClinVar aggregate classification (germline): Pathogenic (1 of 4 stars; one submission).

Conditions:
Neurofibromatosis, type 1 (NF1). Also called: Neurofibromatosis, type I; NEUROFIBROMATOSIS, TYPE I, SOMATIC; Peripheral type neurofibromatosis; VON RECKLINGHAUSEN DISEASE. Identifiers: Orphanet 636, MedGen C0027831, MONDO:0018975, OMIM 162200. Disease mechanism: loss of function.

Submission:

Labcorp Genetics (formerly Invitae), Labcorp
Classification: Pathogenic for Neurofibromatosis, type 1. Last evaluated: 2025-10-09. Review status: criteria provided, single submitter. Criteria: Invitae Variant Classification Sherloc (09022015). Collection method: clinical testing. Allele origin: germline.
Comment: This sequence change affects a donor splice site in intron 38 of the NF1 gene. It is expected to disrupt RNA splicing. Variants that disrupt the donor or acceptor splice site typically lead to a loss of protein function (PMID: 16199547), and loss-of-function variants in NF1 are known to be pathogenic (PMID: 10712197, 23913538). This variant is not present in population databases (gnomAD no frequency). Disruption of this splice site has been observed in individual(s) with clinical features of neurofibromatosis, type 1 (PMID: 31730495). ClinVar contains an entry for this variant (Variation ID: 2915506). Algorithms developed to predict the effect of sequence changes on RNA splicing suggest that this variant may disrupt the consensus splice site. For these reasons, this variant has been classified as Pathogenic.

Literature cited by the submitters: PubMed 16199547; PubMed 10712197; PubMed 23913538; PubMed 31730495.

NM_001042492.3(NF1):c.5812+1G>C

Gene: NF1 (neurofibromin 1; plus strand). Cytogenetic location: 17q11.2.
Variant type: single nucleotide variant.
Coding change: c.5812+1G>C on transcript NM_001042492.3 (MANE Select); the canonical splice donor site of the intron after coding-DNA position 5812, G replaced by C.
Molecular consequence: splice donor variant.
Genome position (GRCh38, 1-based): chr17:31,330,499, G>C. VCF-style: chr17-31330499-G-C. GRCh37 (hg19) VCF-style: chr17-29657517-G-C.
Other names: c.5749+1G>C (NM_000267.4).
Identifiers: ClinVar variation 2915506 (VCV002915506.3), dbSNP rs876658854, ClinGen allele CA399010535.
Genomic context (GRCh38, chr17:31,330,499, plus strand): 5'-ATGAGCCACACCTCACGTTAGAATTTTTGGAAGAGTGTATTTCTGGATTTAGCAAATCTA[G>C]TAAGTAATGATAATTTTCTTTAATACTAACAATTATTCTAAGAGAATTCAAAGAAAACCC-3'